The following is an entry in ClinVar:

NM_001267550.2(TTN):c.47866G>A (p.Asp15956Asn)

Genes: TTN (titin; minus strand), TTN-AS1 (TTN antisense RNA 1; plus strand). Cytogenetic location: 2q31.2.
Variant type: single nucleotide variant.
Coding change: c.47866G>A on transcript NM_001267550.2 (MANE Select); coding-DNA position 47866, G replaced by A.
Protein change: p.Asp15956Asn; replaces aspartic acid 15956 with asparagine.
Molecular consequence: missense variant.
Genome position (GRCh38, 1-based): chr2:178,617,129, C>T on the plus strand (G>A on the coding strand, the complement: TTN is on the minus strand). VCF-style: chr2-178617129-C-T. GRCh37 (hg19) VCF-style: chr2-179481856-C-T.
Other names: c.42943G>A, p.Asp14315Asn (NM_001256850.1); c.20671G>A, p.Asp6891Asn (NM_003319.4); c.40162G>A, p.Asp13388Asn (NM_133378.4); c.21046G>A, p.Asp7016Asn (NM_133432.3); c.21247G>A, p.Asp7083Asn (NM_133437.4); short protein forms D15956N, D14315N, D6891N, D7083N, D13388N, D7016N.
Identifiers: ClinVar variation 467192 (VCV000467192.7), dbSNP rs372881122, ClinGen allele CA1994967.
Genomic context (GRCh38, chr2:178,617,129, plus strand): 5'-CCAAAGTAGCTATGTGCTATTCCCCGATCTAAAAATAAAATATCTATTTACCAAATGCAT[C>T]GTCAGCGGTGAGAGGACCAAGAATTTCAGATGGATCTGAAACACCAGCTTTATTTTCTGC-3'
Protein context (NP_001254479.2, residues 15946-15966): SEILGPLTAD[Asp15956Asn]AFVEPTMDLS

ClinVar aggregate classification (germline): Uncertain significance. Review status: criteria provided, multiple submitters, no conflicts (2 of 4 stars). 4 submissions from 4 submitters: Uncertain significance (4). Last evaluated 2026-04-02.

Conditions:
Cardiovascular phenotype. Identifiers: MedGen CN230736.
Autosomal recessive limb-girdle muscular dystrophy type 2J (LGMDR10). Also called: Limb-girdle muscular dystrophy, type 2J; MUSCULAR DYSTROPHY, LIMB-GIRDLE, AUTOSOMAL RECESSIVE 10. Identifiers: Orphanet 140922, MedGen C1837342, MONDO:0012127, OMIM 608807.
Dilated cardiomyopathy 1G (CMD1G). Identifiers: Orphanet 154, MedGen C1858763, MONDO:0011400, OMIM 604145.
TTN-related disorder. Also called: TTN-related condition; TTN-related disease; TTN-related disorders.
Hypertrophic cardiomyopathy 9. Also called: Familial hypertrophic cardiomyopathy 9. Identifiers: MedGen C1861065, MONDO:0013412, OMIM 613765.
Myopathy, myofibrillar, 9, with early respiratory failure (MFM9). Also called: Hereditary myopathy with early respiratory failure; MYOPATHY, PROXIMAL, WITH EARLY RESPIRATORY MUSCLE INVOLVEMENT; EDSTROM MYOPATHY; Myopathy, distal, with early respiratory failure, autosomal dominant. Identifiers: Orphanet 178464, Orphanet 34521, MedGen C1863599, MONDO:0011362, OMIM 603689.
Tibial muscular dystrophy (TMD). Also called: Udd Distal Myopathy – Tibial Muscular Dystrophy; UDD MYOPATHY; Tibial muscular dystrophy, tardive. Identifiers: Orphanet 609, MedGen C1838244, MONDO:0010870, OMIM 600334.
Early-onset myopathy with fatal cardiomyopathy (CMYO5). Also called: Salih Myopathy; CONGENITAL MYOPATHY 5 WITH CARDIOMYOPATHY. Identifiers: Orphanet 289377, MedGen C2673677, MONDO:0012714, OMIM 611705. Disease mechanism: loss of function.

Allele frequency attached by ClinVar (database versions not stated): gnomAD exomes 0.00001 and 0.00002; ExAC 0.00005; gnomAD 0.00006; TOPMed 0.00007; ESP Exome Variant Server 0.00008; 1000 Genomes Project 30x 0.00016; 1000 Genomes Project 0.00020.
gnomAD v4.1: 25 of 1,609,932 alleles (0.0016%); highest among the groups gnomAD compares: African/African-American, 0.017%; no homozygotes.

Submissions (4):

PreventionGenetics, part of Exact Sciences
Classification: Uncertain significance for TTN-related condition. Last evaluated: 2026-04-02. Review status: criteria provided, single submitter. Criteria: ACMG Guidelines, 2015. Collection method: clinical testing. Allele origin: germline.
Comment: The TTN c.47866G>A variant is predicted to result in the amino acid substitution p.Asp15956Asn. To our knowledge, this variant has not been reported in the literature. This variant is reported in 0.021% of alleles in individuals of African descent in gnomAD. At this time, the clinical significance of this variant is uncertain due to the absence of conclusive functional and genetic evidence.

Fulgent Genetics
Classification: Uncertain significance for Tibial muscular dystrophy; Myopathy, myofibrillar, 9, with early respiratory failure; Dilated cardiomyopathy 1G; Autosomal recessive limb-girdle muscular dystrophy type 2J; Early-onset myopathy with fatal cardiomyopathy; Hypertrophic cardiomyopathy 9. Last evaluated: 2021-07-28. Review status: criteria provided, single submitter. Criteria: ACMG Guidelines, 2015. Collection method: clinical testing. Allele origin: unknown.

Ambry Genetics
Classification: Uncertain significance for Cardiovascular phenotype. Last evaluated: 2019-07-29. Review status: criteria provided, single submitter. Criteria: Ambry Variant Classification Scheme 2023. Collection method: clinical testing. Allele origin: germline.
Comment: The p.D6891N variant (also known as c.20671G>A), located in coding exon 82 of the TTN gene, results from a G to A substitution at nucleotide position 20671. The aspartic acid at codon 6891 is replaced by asparagine, an amino acid with highly similar properties. This amino acid position is highly conserved in available vertebrate species. In addition, this alteration is predicted to be tolerated by in silico analysis. Since supporting evidence is limited at this time, the clinical significance of this alteration remains unclear.

Labcorp Genetics (formerly Invitae), Labcorp
Classification: Uncertain significance for Dilated cardiomyopathy 1G; Autosomal recessive limb-girdle muscular dystrophy type 2J. Last evaluated: 2017-08-09. Review status: criteria provided, single submitter. Criteria: Invitae Variant Classification Sherloc (09022015). Collection method: clinical testing. Allele origin: germline.